The following is an entry in ClinVar:

NM_001110556.2(FLNA):c.5574C>T (p.Phe1858=)

Gene: FLNA (filamin A; minus strand). Cytogenetic location: Xq28.
Variant type: single nucleotide variant.
Coding change: c.5574C>T on transcript NM_001110556.2 (MANE Select); coding-DNA position 5574, C replaced by T.
Protein change: p.Phe1858=; no amino-acid change (phenylalanine 1858 retained).
Molecular consequence: synonymous variant.
Genome position (GRCh38, 1-based): chrX:154,354,027, G>A on the plus strand (C>T on the coding strand, the complement: FLNA is on the minus strand). VCF-style: chrX-154354027-G-A. GRCh37 (hg19) VCF-style: chrX-153582395-G-A.
Other names: c.5574C>T (NM_001110556.1); c.5550C>T, p.Phe1850= (NM_001456.4).
Identifiers: ClinVar variation 263996 (VCV000263996.19), dbSNP rs781875077, ClinGen allele CA10587967.

ClinVar aggregate classification (germline): Likely benign. Review status: criteria provided, multiple submitters, no conflicts (2 of 4 stars). 4 submissions from 4 submitters: Likely benign (3). 1 of the submissions does not count toward it. Last evaluated 2025-12-11.

Conditions:
FLNA-related disorder.
Familial thoracic aortic aneurysm and aortic dissection (TAAD). Also called: Thoracic aortic aneurysms and dissections. Identifiers: Orphanet 91387, MedGen C4707243, MONDO:0019625.
Melnick-Needles syndrome (MNS). Also called: Melnick-Needles Syndrome (FLNA-MNS); MELNICK-NEEDLES OSTEODYSPLASTY; OSTEODYSPLASTY OF MELNICK AND NEEDLES. Identifiers: Orphanet 2484, MedGen C0025237, MONDO:0010650, OMIM 309350.
Frontometaphyseal dysplasia (FMD1). Identifiers: Orphanet 1826, MedGen C0265293, MONDO:0015942.
Heterotopia, periventricular, X-linked dominant (PVNH1). Also called: X-linked periventricular heterotopia; PERIVENTRICULAR NODULAR HETEROTOPIA 4; HETEROTOPIA, PERIVENTRICULAR, 1; PERIVENTRICULAR NODULAR HETEROTOPIA 1. Identifiers: Orphanet 2149, Orphanet 82004, MedGen C1848213, MONDO:0010233, OMIM 300049.
Oto-palato-digital syndrome, type II (OPD2). Also called: Otopalatodigital Syndrome Type 2 (FLNA-OPD2); FACIOPALATOOSSEOUS SYNDROME; OPD II SYNDROME; Otopalatodigital Syndrome, Type II. Identifiers: Orphanet 669, Orphanet 90652, MedGen C1844696, MONDO:0010571, OMIM 304120.

Allele frequency attached by ClinVar (database versions not stated): gnomAD 0.00002; gnomAD exomes 0.00002 and 0.00003; TOPMed 0.00002.
gnomAD v4.1: 37 of 1,210,758 alleles (0.0031%); highest among the groups gnomAD compares: Non-Finnish European, 0.0039%; no homozygotes.

Submissions (4):

Labcorp Genetics (formerly Invitae), Labcorp
Classification: Likely benign for Oto-palato-digital syndrome, type II; Heterotopia, periventricular, X-linked dominant; Frontometaphyseal dysplasia; Melnick-Needles syndrome. Last evaluated: 2025-12-11. Review status: criteria provided, single submitter. Criteria: Invitae Variant Classification Sherloc (09022015). Collection method: clinical testing. Allele origin: germline.

GeneDx
Classification: Likely benign. Last evaluated: 2018-06-18. Review status: criteria provided, single submitter. Criteria: GeneDx Variant Classification Process June 2021. Collection method: clinical testing. Allele origin: germline. Affected: yes.

Ambry Genetics
Classification: Likely benign for Familial thoracic aortic aneurysm and aortic dissection. Last evaluated: 2015-04-25. Review status: criteria provided, single submitter. Criteria: Ambry Variant Classification Scheme 2023. Collection method: clinical testing. Allele origin: germline.

PreventionGenetics, part of Exact Sciences
Classification: Likely benign for FLNA-related condition. Last evaluated: 2020-11-15. Review status: no assertion criteria provided. Collection method: clinical testing. Allele origin: germline. Not counted in ClinVar's aggregate classification.
Comment: This variant is classified as likely benign based on ACMG/AMP sequence variant interpretation guidelines (Richards et al. 2015 PMID: 25741868, with internal and published modifications).